The following is an entry in ClinVar:

ClinVar aggregate classification (germline): Likely pathogenic (1 of 4 stars; one submission).

Conditions:
Intellectual developmental disorder, autosomal recessive 65. Also called: MENTAL RETARDATION, AUTOSOMAL RECESSIVE 65; Intellectual disability, autosomal recessive 65. Identifiers: MedGen C4748219, MONDO:0020850, OMIM 618109.

Submission:

Variantyx, Inc.
Classification: Likely pathogenic for Intellectual developmental disorder, autosomal recessive 65. Last evaluated: 2025-11-12. Review status: criteria provided, single submitter. Criteria: Variantyx Assertion Criteria 2022. Collection method: clinical testing. Allele origin: germline. Inheritance: Autosomal recessive inheritance. Affected: no.
Comment: This is a nonsense variant in the KDM5B gene (OMIM: 605393). Pathogenic variants in this gene have been associated with autosomal recessive intellectual developmental disorder 65. This variant introduces a premature termination codon in exon 17 out of 27 and is expected to result in loss of function, which is a known disease mechanism for KDM5B in this disorder (PMID: 30217758) (PVS1). This variant is absent from control populations (PM2) and it has not been reported in individuals with KDM5B-related disorders in the databases available for review. Based on the current evidence, this variant is classified as likely pathogenic for autosomal recessive intellectual developmental disorder 65.

Literature cited by the submitters: PubMed 30217758.

NM_006618.5(KDM5B):c.2345T>G (p.Leu782Ter)

Gene: KDM5B (lysine demethylase 5B; minus strand). Cytogenetic location: 1q32.1.
Variant type: single nucleotide variant.
Coding change: c.2345T>G on transcript NM_006618.5 (MANE Select); coding-DNA position 2345, T replaced by G.
Protein change: p.Leu782Ter; replaces leucine 782 with a stop codon.
Molecular consequence: nonsense.
Genome position (GRCh38, 1-based): chr1:202,742,784, A>C on the plus strand (T>G on the coding strand, the complement: KDM5B is on the minus strand). VCF-style: chr1-202742784-A-C. GRCh37 (hg19) VCF-style: chr1-202711912-A-C.
Other names: c.2453T>G, p.Leu818Ter (NM_001314042.2); c.2210T>G, p.Leu737Ter (NM_001347591.2); c.2330T>G, p.Leu777Ter (NM_001399817.1); short protein forms L737*, L777*, L782*, L818*.
Identifiers: ClinVar variation 4813833 (VCV004813833.1).